The following is an entry in ClinVar:

ClinVar aggregate classification (germline): Uncertain significance (1 of 4 stars; one submission).

Submission:

Ambry Genetics
Classification: Uncertain significance. Last evaluated: 2021-11-12. Review status: criteria provided, single submitter. Criteria: Ambry Variant Classification Scheme 2023. Collection method: clinical testing. Allele origin: germline.
Comment: The p.T872R variant (also known as c.2615C>G), located in coding exon 23 of the PRKDC gene, results from a C to G substitution at nucleotide position 2615. The threonine at codon 872 is replaced by arginine, an amino acid with similar properties. This amino acid position is conserved. In addition, this alteration is predicted to be tolerated by in silico analysis. Since supporting evidence is limited at this time, the clinical significance of this alteration remains unclear.

NM_006904.7(PRKDC):c.2615C>G (p.Thr872Arg)

Gene: PRKDC (protein kinase, DNA-activated, catalytic subunit; minus strand). Cytogenetic location: 8q11.21.
Variant type: single nucleotide variant.
Coding change: c.2615C>G on transcript NM_006904.7 (MANE Select); coding-DNA position 2615, C replaced by G.
Protein change: p.Thr872Arg; replaces threonine 872 with arginine.
Molecular consequence: missense variant.
Genome position (GRCh38, 1-based): chr8:47,915,330, G>C on the plus strand (C>G on the coding strand, the complement: PRKDC is on the minus strand). VCF-style: chr8-47915330-G-C. GRCh37 (hg19) VCF-style: chr8-48827890-G-C.
Other names: c.2615C>G, p.Thr872Arg (NM_001081640.2); short protein forms T872R.
Identifiers: ClinVar variation 1793847 (VCV001793847.2), dbSNP rs1256620189, ClinGen allele CA371159763.